The following is an entry in ClinVar:

NM_001360.3(DHCR7):c.322-1G>A

Gene: DHCR7 (7-dehydrocholesterol reductase; minus strand). Cytogenetic location: 11q13.4.
Variant type: single nucleotide variant.
Coding change: c.322-1G>A on transcript NM_001360.3 (MANE Select); the canonical splice acceptor site of the intron before coding-DNA position 322, G replaced by A.
Molecular consequence: splice acceptor variant.
Genome position (GRCh38, 1-based): chr11:71,442,354, C>T on the plus strand (G>A on the coding strand, the complement: DHCR7 is on the minus strand). VCF-style: chr11-71442354-C-T. GRCh37 (hg19) VCF-style: chr11-71153400-C-T.
Other names: c.322-1G>A (NM_001163817.2).
Identifiers: ClinVar variation 1027907 (VCV001027907.10), dbSNP rs1565588719, ClinGen allele CA381695218.

ClinVar aggregate classification (germline): Likely pathogenic. Review status: criteria provided, multiple submitters, no conflicts (2 of 4 stars). 3 submissions from 3 submitters: Likely pathogenic (3). Last evaluated 2025-05-09.

Conditions:
Smith-Lemli-Opitz syndrome (SLOS). Also called: 7-Dehydrocholesterol reductase deficiency; LETHAL ACRODYSGENITAL SYNDROME; POLYDACTYLY, SEX REVERSAL, RENAL HYPOPLASIA, AND UNILOBAR LUNG; RSH SYNDROME; RUTLEDGE LETHAL MULTIPLE CONGENITAL ANOMALY SYNDROME. Identifiers: Orphanet 818, MedGen C0175694, MONDO:0010035, OMIM 270400.

Allele frequency attached by ClinVar (database versions not stated): gnomAD exomes below 0.00001.
gnomAD v4.1: 2 of 1,613,240 alleles (0.00012%); highest among the groups gnomAD compares: Non-Finnish European, 0.000085%; no homozygotes.

Submissions (3):

Natera, Inc.
Classification: Likely pathogenic for Smith-Lemli-Opitz syndrome. Last evaluated: 2025-05-09. Review status: criteria provided, single submitter. Criteria: Natera Variant Classification Schema (03/2026). Collection method: clinical testing. Allele origin: germline.
Comment: The c.322-1G>A variant in DHCR7 is a canonical splice acceptor site variant predicted to affect pre-mRNA splicing, which may result in an abnormal transcript and altered protein product. This variant is expected to result in nonsense mediated decay, truncation, or a dysfunctional protein product. This variant is rare in the general population with a frequency below the threshold expected for the associated phenotype(s). Given the available evidence, this variant is classified as Likely Pathogenic.

Labcorp Genetics (formerly Invitae), Labcorp
Classification: Likely pathogenic for Smith-Lemli-Opitz syndrome. Last evaluated: 2020-09-06. Review status: criteria provided, single submitter. Criteria: Invitae Variant Classification Sherloc (09022015). Collection method: clinical testing. Allele origin: germline.
Comment: This variant has not been reported in the literature in individuals with DHCR7-related conditions. This sequence change affects an acceptor splice site in intron 4 of the DHCR7 gene. It is expected to disrupt RNA splicing and likely results in an absent or disrupted protein product. This variant is not present in population databases (ExAC no frequency). Algorithms developed to predict the effect of sequence changes on RNA splicing suggest that this variant may disrupt the consensus splice site, but this prediction has not been confirmed by published transcriptional studies. Donor and acceptor splice site variants typically lead to a loss of protein function (PMID: 16199547), and loss-of-function variants in DHCR7 are known to be pathogenic (PMID: 9634533, 10677299). In summary, the currently available evidence indicates that the variant is pathogenic, but additional data are needed to prove that conclusively. Therefore, this variant has been classified as Likely Pathogenic.

Baylor Genetics
Classification: Likely pathogenic for Smith-Lemli-Opitz syndrome. Last evaluated: 2020-01-02. Review status: criteria provided, single submitter. Criteria: ACMG Guidelines, 2015. Collection method: clinical testing. Allele origin: unknown. Affected: yes.
Comment: This variant was determined to be likely pathogenic according to ACMG Guidelines, 2015 [PMID:25741868].

Literature cited by the submitters: PubMed 16199547 (cited by Labcorp Genetics (formerly Invitae), Labcorp); PubMed 9634533 (cited by Labcorp Genetics (formerly Invitae), Labcorp); PubMed 10677299 (cited by Labcorp Genetics (formerly Invitae), Labcorp).